The following is an entry in ClinVar:

ClinVar aggregate classification (germline): Uncertain significance. Review status: criteria provided, multiple submitters, no conflicts (2 of 4 stars). 2 submissions from 2 submitters: Uncertain significance (2). Last evaluated 2024-03-13.

Conditions:
Mismatch repair cancer syndrome 4. Identifiers: MedGen C5436817, MONDO:0030843, OMIM 619101.
Lynch syndrome 4 (LYNCH4). Also called: Colorectal cancer, hereditary nonpolyposis, type 4; Hereditary non-polyposis colorectal cancer, type 4. Identifiers: Orphanet 144, MedGen C1838333, MONDO:0013699, OMIM 614337. Disease mechanism: loss of function.
Hereditary cancer-predisposing syndrome. Also called: Hereditary neoplastic syndrome; Hereditary Cancer Syndrome; Neoplastic Syndromes, Hereditary; Tumor predisposition. Identifiers: Orphanet 140162, MedGen C0027672, MeSH D009386, MONDO:0015356.

Submissions (2):

Fulgent Genetics
Classification: Uncertain significance for Lynch syndrome 4; Mismatch repair cancer syndrome 4. Last evaluated: 2024-03-13. Review status: criteria provided, single submitter. Criteria: ACMG Guidelines, 2015. Collection method: clinical testing. Allele origin: germline.

Color Diagnostics, LLC DBA Color Health
Classification: Uncertain significance for Hereditary cancer-predisposing syndrome. Last evaluated: 2022-05-12. Review status: criteria provided, single submitter. Criteria: ACMG Guidelines, 2015. Collection method: clinical testing. Allele origin: germline.
Comment: This missense variant replaces valine with glycine at codon 185 of the PMS2 protein. Computational prediction is inconclusive regarding the impact of this variant on protein structure and function (internally defined REVEL score threshold 0.5 < inconclusive < 0.7, PMID: 27666373). To our knowledge, functional studies have not been reported for this variant. This variant has not been reported in individuals affected with hereditary cancer in the literature. This variant has not been identified in the general population by the Genome Aggregation Database (gnomAD). The available evidence is insufficient to determine the role of this variant in disease conclusively. Therefore, this variant is classified as a Variant of Uncertain Significance.

NM_000535.7(PMS2):c.554T>G (p.Val185Gly)

Gene: PMS2 (PMS1 homolog 2, mismatch repair system component; minus strand). Cytogenetic location: 7p22.1.
Variant type: single nucleotide variant.
Coding change: c.554T>G on transcript NM_000535.7 (MANE Select); coding-DNA position 554, T replaced by G.
Protein change: p.Val185Gly; replaces valine 185 with glycine.
Molecular consequence: missense variant. On other transcripts: non-coding transcript variant (1), intron variant (9).
Genome position (GRCh38, 1-based): chr7:5,999,259, A>C on the plus strand (T>G on the coding strand, the complement: PMS2 is on the minus strand). VCF-style: chr7-5999259-A-C. GRCh37 (hg19) VCF-style: chr7-6038890-A-C.
Other names: c.149T>G, p.Val50Gly (NM_001406899.1, NM_001406908.1, NM_001406904.1 and 22 more transcripts); c.245T>G, p.Val82Gly (NM_001406900.1, NM_001322015.2, NM_001406875.1 and 6 more transcripts); c.236T>G, p.Val79Gly (NM_001406901.1, NM_001406902.1, NM_001406903.1 and 4 more transcripts); c.132+3194T>G (NM_001406911.1); c.554T>G, p.Val185Gly (NM_001406912.1, NM_001322006.2, NM_001322014.2 and 5 more transcripts); c.740T>G, p.Val247Gly (NM_001406866.1); c.578T>G, p.Val193Gly (NM_001406868.1); c.133-1836T>G (NM_001322013.2, NM_001406909.1); and 4 more; short protein forms V185G, V50G, V247G, V82G, V193G, V79G.
Identifiers: ClinVar variation 2774147 (VCV002774147.3), dbSNP rs2128802017, ClinGen allele CA366744100.
Genomic context (GRCh38, chr7:5,999,259, plus strand): 5'-TGATTGGTGCAACTTACACGGATGCCTGCTGAAATGATACAGTATGCATGTAAGACCTGG[A>C]CCATTTTGGCATACTCCTGTTTAAAAAACACAAACACAATATTCTACATTACTTTAATAT-3'
Protein context (NP_000526.2, residues 175-195): RNIKKEYAKM[Val185Gly]QVLHAYCIIS